The following is an entry in ClinVar:

ClinVar aggregate classification (germline): Likely benign (1 of 4 stars; one submission).

Conditions:
PDXK-related disorder. Also called: PDXK-related condition.

gnomAD v4.1: 13 of 1,612,746 alleles (0.00081%); highest among the groups gnomAD compares: South Asian, 0.0033%; no homozygotes.

Submission:

PreventionGenetics, part of Exact Sciences
Classification: Likely benign for PDXK-related condition. Last evaluated: 2025-11-26. Review status: criteria provided, single submitter. Criteria: ACMG Guidelines, 2015. Collection method: clinical testing. Allele origin: germline.
Comment: This variant is classified as likely benign based on ACMG/AMP sequence variant interpretation guidelines (Richards et al. 2015 PMID: 25741868, with internal and published modifications).

NM_003681.5(PDXK):c.826+4C>T

Gene: PDXK (pyridoxal kinase; plus strand). Cytogenetic location: 21q22.3.
Variant type: single nucleotide variant.
Coding change: c.826+4C>T on transcript NM_003681.5 (MANE Select); 4 bases into the intron after coding-DNA position 826, C replaced by T.
Molecular consequence: intron variant.
Genome position (GRCh38, 1-based): chr21:43,755,768, C>T. VCF-style: chr21-43755768-C-T. GRCh37 (hg19) VCF-style: chr21-45175649-C-T.
Other names: c.706+4C>T (NM_001331030.2).
Identifiers: ClinVar variation 4997431 (VCV004997431.1).
Genomic context (GRCh38, chr21:43,755,768, plus strand): 5'-AGAAGACCGTGTCTACCTTGCACCACGTTCTGCAGAGGACCATCCAGTGTGCAAAAGGTA[C>T]GGCGGCCGGGCTGCATGGGCTGCGTGGGCTCCTGGCTCCCGAAGTGGGTGGGAGAGAAGA-3'